The following is an entry in ClinVar:

NM_000152.5(GAA):c.1998del (p.Phe667fs)

Gene: GAA (alpha glucosidase; plus strand). Cytogenetic location: 17q25.3.
Variant type: Deletion.
Coding change: c.1998del on transcript NM_000152.5 (MANE Select); coding-DNA position 1998, one base deleted (C; older notation c.1998delC).
Protein change: p.Phe667fs; shifts the reading frame from phenylalanine 667.
Molecular consequence: frameshift variant.
Genome position (GRCh38, 1-based): chr17:80,112,985, C deleted; the last of 2 consecutive C bases (chr17:80,112,984-80,112,985); deleting either gives the same sequence. VCF-style (leftmost placement, unchanged base first): chr17-80112983-GC-G. GRCh37 (hg19) VCF-style: chr17-78086782-GC-G.
Other names: c.1998del, p.Phe667fs (NM_001079803.3, NM_001079804.3, NM_001406741.1 and 1 more transcripts); short protein forms F667fs.
Identifiers: ClinVar variation 4817586 (VCV004817586.1).
Genomic context (GRCh38, chr17:80,112,983, plus strand): 5'-GTCTGCGGCTTCCTGGGCAACACCTCAGAGGAGCTGTGTGTGCGCTGGACCCAGCTGGGG[GC>G]CTTCTACCCCTTCATGCGGAACCACAACAGCCTGCTCAGTCTGGTAGGGTGGGGGTGGCG-3'

ClinVar aggregate classification (germline): Likely pathogenic (1 of 4 stars; one submission).

Conditions:
Glycogen storage disease, type II (IOPD). Also called: Glucosidase acid-1,4-alpha deficiency; Pompe Disease; CARDIOMEGALIA GLYCOGENICA DIFFUSA; Glycogen storage disease type 2; Acid maltase deficiency disease; Aglucosidase alfa. Identifiers: Orphanet 365, MedGen C0017921, MONDO:0009290, OMIM 232300.

Submission:

Natera, Inc.
Classification: Likely pathogenic for Glycogen storage disease type II. Last evaluated: 2024-03-27. Review status: criteria provided, single submitter. Criteria: Natera Variant Classification Schema (03/2026). Collection method: clinical testing. Allele origin: germline.
Comment: The c.1998delC variant in GAA is a frameshift variant predicted to shift the reading frame beginning at codon 667 and leads to a stop codon 29 codons downstream. This variant is expected to result in nonsense mediated decay, truncation, or a dysfunctional protein product. This variant is rare in the general population with a frequency below the threshold expected for the associated phenotype(s). Given the available evidence, this variant is classified as Likely Pathogenic.